The following is an entry in ClinVar:

ClinVar aggregate classification (germline): Pathogenic. Review status: criteria provided, multiple submitters, no conflicts (2 of 4 stars). 3 submissions from 3 submitters: Pathogenic (3). Last evaluated 2021-12-02.

Conditions:
Mitochondrial DNA depletion syndrome 13. Also called: FBXL4-Related Encephalomyopathic Mitochondrial DNA Depletion Syndrome; Mitochondrial DNA depletion syndrome 13 (encephalomyopathic type). Identifiers: Orphanet 369897, MedGen C3809592, MONDO:0014198, OMIM 615471.
Inborn genetic diseases. Identifiers: MedGen C0950123, MeSH D030342.

Allele frequency attached by ClinVar (database versions not stated): TOPMed below 0.00001; gnomAD exomes 0.00001.
gnomAD v4.1: 2 of 1,614,180 alleles (0.00012%); highest among the groups gnomAD compares: Admixed American, 0.0033%; no homozygotes.

Submissions (3):

Labcorp Genetics (formerly Invitae), Labcorp
Classification: Pathogenic. Last evaluated: 2021-12-02. Review status: criteria provided, single submitter. Criteria: Invitae Variant Classification Sherloc (09022015). Collection method: clinical testing. Allele origin: germline.
Comment: For these reasons, this variant has been classified as Pathogenic. ClinVar contains an entry for this variant (Variation ID: 437488). This premature translational stop signal has been observed in individual(s) with mitochondrial encephalomyopathy (PMID: 23993194). This variant is present in population databases (no rsID available, gnomAD 0.006%). This sequence change creates a premature translational stop signal (p.Arg36*) in the FBXL4 gene. It is expected to result in an absent or disrupted protein product. Loss-of-function variants in FBXL4 are known to be pathogenic (PMID: 23993193, 23993194, 25868664).

Wong Mito Lab, Molecular and Human Genetics, Baylor College of Medicine
Classification: Pathogenic for Mitochondrial DNA depletion syndrome 13. Last evaluated: 2017-08-10. Review status: criteria provided, single submitter. Criteria: ACMG Guidelines, 2015. Collection method: clinical testing. Allele origin: germline. Affected: yes.
Comment: The NM_012160.4:c.106A>T (NP_036292.2:p.Arg36Ter) [GRCH38: NC_000006.12:g.98926883T>A] variant in FBXL4 gene is interpretated to be a Pathogenic based on ACMG guidelines (PMID: 25741868). This variant has been reported in PMID:23993194 . This variant meets one or more of the following evidence codes reported in the ACMG-guideline. PVS1:This variant is a predcted null variant in FBXL4 where loss of function is a known mechanism of disease. PM2:This variant is absent in key population databases. PM3:Detected in trans with a pathogenic variant for Mitochondrial DNA depletion syndrome 13 which is a recessive disorder. PP4:Patientâ€™s phenotype or family history is highly specific for FBXL4. PP5:Reputable source(s) suggest that the variant is pathogenic. Based on this evidence code ClinGen Pathogenicity Calculator (PMID:28081714) suggested that the variant is Pathogenic.

Ambry Genetics
Classification: Pathogenic for Inborn genetic diseases. Last evaluated: 2016-10-10. Review status: criteria provided, single submitter. Criteria: Ambry exome assertion method (8-5-2015). Collection method: clinical testing. Allele origin: germline. Affected: yes. Observed: 2 variant alleles.

Literature cited by the submitters: PubMed 23993194 (cited by Labcorp Genetics (formerly Invitae), Labcorp and Wong Mito Lab, Molecular and Human Genetics, Baylor College of Medicine); PubMed 23993193 (cited by Labcorp Genetics (formerly Invitae), Labcorp); PubMed 25868664 (cited by Labcorp Genetics (formerly Invitae), Labcorp).

NM_001278716.2(FBXL4):c.106A>T (p.Arg36Ter)

Gene: FBXL4 (F-box and leucine rich repeat protein 4; minus strand). Cytogenetic location: 6q16.2.
Variant type: single nucleotide variant.
Coding change: c.106A>T on transcript NM_001278716.2 (MANE Select); coding-DNA position 106, A replaced by T.
Protein change: p.Arg36Ter; replaces arginine 36 with a stop codon.
Molecular consequence: nonsense. On other transcripts: non-coding transcript variant (2).
Genome position (GRCh38, 1-based): chr6:98,926,883, T>A on the plus strand (A>T on the coding strand, the complement: FBXL4 is on the minus strand). VCF-style: chr6-98926883-T-A. GRCh37 (hg19) VCF-style: chr6-99374759-T-A.
Other names: c.106A>T, p.Arg36Ter (NM_012160.5); short protein forms R36*.
Identifiers: ClinVar variation 437488 (VCV000437488.9), dbSNP rs1182326570, ClinGen allele CA16021024.